The following is an entry in ClinVar:

NM_001283009.2(RTEL1):c.937G>A (p.Glu313Lys)

Genes: RTEL1 (regulator of telomere elongation helicase 1; plus strand), RTEL1-TNFRSF6B (RTEL1-TNFRSF6B readthrough (NMD candidate); plus strand). Cytogenetic location: 20q13.33.
Variant type: single nucleotide variant.
Coding change: c.937G>A on transcript NM_001283009.2 (MANE Select); coding-DNA position 937, G replaced by A.
Protein change: p.Glu313Lys; replaces glutamic acid 313 with lysine.
Molecular consequence: missense variant. On other transcripts: non-coding transcript variant (1).
Genome position (GRCh38, 1-based): chr20:63,678,162, G>A. VCF-style: chr20-63678162-G-A. GRCh37 (hg19) VCF-style: chr20-62309515-G-A.
Other names: c.268G>A, p.Glu90Lys (NM_001283010.1); c.937G>A, p.Glu313Lys (NM_016434.4); c.1009G>A, p.Glu337Lys (NM_032957.5); short protein forms E313K, E337K, E90K.
Identifiers: ClinVar variation 3747906 (VCV003747906.3).

ClinVar aggregate classification (germline): Uncertain significance. Review status: criteria provided, multiple submitters, no conflicts (2 of 4 stars). 2 submissions from 2 submitters: Uncertain significance (2). Last evaluated 2025-11-01.

Conditions:
Pulmonary fibrosis and/or bone marrow failure, Telomere-related, 3. Also called: PULMONARY FIBROSIS AND/OR BONE MARROW FAILURE SYNDROME, TELOMERE-RELATED, 3. Identifiers: Orphanet 2032, MedGen C4225346, MONDO:0014613, OMIM 616373.
Dyskeratosis congenita, autosomal recessive 5 (DKCB5). Identifiers: MedGen C3554656, MONDO:0014076, OMIM 615190.
Inborn genetic diseases. Identifiers: MedGen C0950123, MeSH D030342.

Submissions (2):

Ambry Genetics
Classification: Uncertain significance for Inborn genetic diseases. Last evaluated: 2025-11-01. Review status: criteria provided, single submitter. Criteria: Ambry Variant Classification Scheme 2023. Collection method: clinical testing. Allele origin: germline.
Comment: The p.E313K variant (also known as c.937G>A), located in coding exon 10 of the RTEL1 gene, results from a G to A substitution at nucleotide position 937. The glutamic acid at codon 313 is replaced by lysine, an amino acid with similar properties. This amino acid position is conserved. In addition, the in silico prediction for this alteration is inconclusive. Based on the available evidence, the clinical significance of this variant remains unclear.

Labcorp Genetics (formerly Invitae), Labcorp
Classification: Uncertain significance for Dyskeratosis congenita, autosomal recessive 5; Pulmonary fibrosis and/or bone marrow failure, Telomere-related, 3. Last evaluated: 2024-12-23. Review status: criteria provided, single submitter. Criteria: Invitae Variant Classification Sherloc (09022015). Collection method: clinical testing. Allele origin: germline.
Comment: This sequence change replaces glutamic acid, which is acidic and polar, with lysine, which is basic and polar, at codon 313 of the RTEL1 protein (p.Glu313Lys). This variant is not present in population databases (gnomAD no frequency). This variant has not been reported in the literature in individuals affected with RTEL1-related conditions. An algorithm developed to predict the effect of missense changes on protein structure and function (PolyPhen-2) suggests that this variant is likely to be tolerated. In summary, the available evidence is currently insufficient to determine the role of this variant in disease. Therefore, it has been classified as a Variant of Uncertain Significance.